The following is an entry in ClinVar:

ClinVar aggregate classification (germline): Uncertain significance (1 of 4 stars; one submission).

Submission:

Labcorp Genetics (formerly Invitae), Labcorp
Classification: Uncertain significance. Last evaluated: 2022-03-12. Review status: criteria provided, single submitter. Criteria: Invitae Variant Classification Sherloc (09022015). Collection method: clinical testing. Allele origin: germline.
Comment: This sequence change replaces aspartic acid, which is acidic and polar, with asparagine, which is neutral and polar, at codon 361 of the SLC30A10 protein (p.Asp361Asn). This variant is not present in population databases (gnomAD no frequency). This variant has not been reported in the literature in individuals affected with SLC30A10-related conditions. Algorithms developed to predict the effect of missense changes on protein structure and function are either unavailable or do not agree on the potential impact of this missense change (SIFT: "Deleterious"; PolyPhen-2: "Benign"; Align-GVGD: "Class C0"). In summary, the available evidence is currently insufficient to determine the role of this variant in disease. Therefore, it has been classified as a Variant of Uncertain Significance.

NM_018713.3(SLC30A10):c.1081G>A (p.Asp361Asn)

Gene: SLC30A10 (solute carrier family 30 member 10; minus strand). Cytogenetic location: 1q41.
Variant type: single nucleotide variant.
Coding change: c.1081G>A on transcript NM_018713.3 (MANE Select); coding-DNA position 1081, G replaced by A.
Protein change: p.Asp361Asn; replaces aspartic acid 361 with asparagine.
Molecular consequence: missense variant. On other transcripts: non-coding transcript variant (2).
Genome position (GRCh38, 1-based): chr1:219,915,826, C>T on the plus strand (G>A on the coding strand, the complement: SLC30A10 is on the minus strand). VCF-style: chr1-219915826-C-T. GRCh37 (hg19) VCF-style: chr1-220089168-C-T.
Other names: c.892G>A, p.Asp298Asn (NM_001376929.1); c.406G>A, p.Asp136Asn (NM_001416004.1, NM_001416005.1); short protein forms D298N, D136N, D361N.
Identifiers: ClinVar variation 2110049 (VCV002110049.4), dbSNP rs2527853257, ClinGen allele CA344732208.